The following is an entry in ClinVar:

NM_003036.4(SKI):c.2032G>A (p.Glu678Lys)

Gene: SKI (SKI proto-oncogene; plus strand). Cytogenetic location: 1p36.32.
Variant type: single nucleotide variant.
Coding change: c.2032G>A on transcript NM_003036.4 (MANE Select); coding-DNA position 2032, G replaced by A.
Protein change: p.Glu678Lys; replaces glutamic acid 678 with lysine.
Molecular consequence: missense variant.
Genome position (GRCh38, 1-based): chr1:2,306,610, G>A. VCF-style: chr1-2306610-G-A. GRCh37 (hg19) VCF-style: chr1-2238049-G-A.
Other names: short protein forms E678K.
Identifiers: ClinVar variation 2728010 (VCV002728010.3), dbSNP rs2521521728, ClinGen allele CA337959591.

ClinVar aggregate classification (germline): Uncertain significance (1 of 4 stars; one submission).

Conditions:
Shprintzen-Goldberg syndrome (SGS). Also called: Marfanoid disorder with craniosynostosis type 1; Marfanoid craniosynostosis syndrome; Shprintzen-Goldberg marfanoid syndrome; SHPRINTZEN-GOLDBERG CRANIOSYNOSTOSIS SYNDROME; CRANIOSYNOSTOSIS WITH ARACHNODACTYLY AND ABDOMINAL HERNIAS. Identifiers: Orphanet 2462, MedGen C1321551, MONDO:0008426, OMIM 182212.

Submission:

Labcorp Genetics (formerly Invitae), Labcorp
Classification: Uncertain significance for Shprintzen-Goldberg syndrome. Last evaluated: 2025-03-09. Review status: criteria provided, single submitter. Criteria: Invitae Variant Classification Sherloc (09022015). Collection method: clinical testing. Allele origin: germline.
Comment: This sequence change replaces glutamic acid, which is acidic and polar, with lysine, which is basic and polar, at codon 678 of the SKI protein (p.Glu678Lys). This variant is not present in population databases (gnomAD no frequency). This variant has not been reported in the literature in individuals affected with SKI-related conditions. ClinVar contains an entry for this variant (Variation ID: 2728010). Invitae Evidence Modeling of protein sequence and biophysical properties (such as structural, functional, and spatial information, amino acid conservation, physicochemical variation, residue mobility, and thermodynamic stability) indicates that this missense variant is not expected to disrupt SKI protein function with a negative predictive value of 95%. In summary, the available evidence is currently insufficient to determine the role of this variant in disease. Therefore, it has been classified as a Variant of Uncertain Significance.